The following is an entry in ClinVar:

NM_000051.4(ATM):c.8162A>G (p.Asp2721Gly)

Genes: ATM (ATM serine/threonine kinase; plus strand), C11orf65 (chromosome 11 open reading frame 65; minus strand). Cytogenetic location: 11q22.3.
Variant type: single nucleotide variant.
Coding change: c.8162A>G on transcript NM_000051.4 (MANE Select); coding-DNA position 8162, A replaced by G.
Protein change: p.Asp2721Gly; replaces aspartic acid 2721 with glycine.
Molecular consequence: missense variant. On other transcripts: intron variant (2).
Genome position (GRCh38, 1-based): chr11:108,335,855, A>G. VCF-style: chr11-108335855-A-G. GRCh37 (hg19) VCF-style: chr11-108206582-A-G.
Other names: c.8162A>G, p.Asp2721Gly (NM_001351834.2); c.641-26784T>C (NM_001330368.2); c.695-563T>C (NM_001351110.2); short protein forms D2721G.
Identifiers: ClinVar variation 481337 (VCV000481337.7), dbSNP rs1555128280, ClinGen allele CA382562476.

ClinVar aggregate classification (germline): Uncertain significance. Review status: criteria provided, multiple submitters, no conflicts (2 of 4 stars). 2 submissions from 2 submitters: Uncertain significance (2). Last evaluated 2025-12-17.

Conditions:
Hereditary cancer-predisposing syndrome. Also called: Neoplastic Syndromes, Hereditary; Hereditary Cancer Syndrome; Tumor predisposition; Hereditary neoplastic syndrome. Identifiers: Orphanet 140162, MedGen C0027672, MeSH D009386, MONDO:0015356.
Ataxia-telangiectasia syndrome (AT). Also called: LOUIS-BAR SYNDROME; Cerebello-oculocutaneous telangiectasia; Immunodeficiency with ataxia telangiectasia; Ataxia-telangiectasia, complementation group D; AT, COMPLEMENTATION GROUP C; Ataxia-telangiectasia, complementation group E. Identifiers: Orphanet 100, MedGen C0004135, MONDO:0008840, OMIM 208900.

Allele frequency attached by ClinVar (database versions not stated): gnomAD exomes below 0.00001.
gnomAD v4.1: 1 of 1,613,578 alleles (0.000062%); highest among the groups gnomAD compares: Non-Finnish European, 0.000085%; no homozygotes.

Submissions (2):

Labcorp Genetics (formerly Invitae), Labcorp
Classification: Uncertain significance for Ataxia-telangiectasia syndrome. Last evaluated: 2025-12-17. Review status: criteria provided, single submitter. Criteria: Invitae Variant Classification Sherloc (09022015). Collection method: clinical testing. Allele origin: germline.
Comment: This sequence change replaces aspartic acid, which is acidic and polar, with glycine, which is neutral and non-polar, at codon 2721 of the ATM protein (p.Asp2721Gly). This variant is not present in population databases (gnomAD no frequency). This variant has not been reported in the literature in individuals affected with ATM-related conditions. ClinVar contains an entry for this variant (Variation ID: 481337). Invitae Evidence Modeling of protein sequence and biophysical properties (such as structural, functional, and spatial information, amino acid conservation, physicochemical variation, residue mobility, and thermodynamic stability) indicates that this missense variant is expected to disrupt ATM protein function with a positive predictive value of 95%. In summary, the available evidence is currently insufficient to determine the role of this variant in disease. Therefore, it has been classified as a Variant of Uncertain Significance.

Ambry Genetics
Classification: Uncertain significance for Hereditary cancer-predisposing syndrome. Last evaluated: 2017-04-10. Review status: criteria provided, single submitter. Criteria: Ambry Variant Classification Scheme 2023. Collection method: clinical testing. Allele origin: germline.
Comment: The p.D2721G variant (also known as c.8162A>G), located in coding exon 55 of the ATM gene, results from an A to G substitution at nucleotide position 8162. The aspartic acid at codon 2721 is replaced by glycine, an amino acid with similar properties. This amino acid position is highly conserved in available vertebrate species. In addition, this alteration is predicted to be deleterious by in silico analysis. Since supporting evidence is limited at this time, the clinical significance of this alteration remains unclear.